The following is an entry in ClinVar:

NM_001364171.2(ODAD1):c.661G>A (p.Val221Ile)

Gene: ODAD1 (outer dynein arm docking complex subunit 1; minus strand). Cytogenetic location: 19q13.33.
Variant type: single nucleotide variant.
Coding change: c.661G>A on transcript NM_001364171.2 (MANE Select); coding-DNA position 661, G replaced by A.
Protein change: p.Val221Ile; replaces valine 221 with isoleucine.
Molecular consequence: missense variant.
Genome position (GRCh38, 1-based): chr19:48,306,260, C>T on the plus strand (G>A on the coding strand, the complement: ODAD1 is on the minus strand). VCF-style: chr19-48306260-C-T. GRCh37 (hg19) VCF-style: chr19-48809517-C-T.
Other names: c.550G>A, p.Val184Ile (NM_144577.4); short protein forms V184I, V221I.
Identifiers: ClinVar variation 968317 (VCV000968317.9), dbSNP rs769301117, ClinGen allele CA9549012.

ClinVar aggregate classification (germline): Uncertain significance. Review status: criteria provided, multiple submitters, no conflicts (2 of 4 stars). 3 submissions from 3 submitters: Uncertain significance (3). Last evaluated 2025-11-24.

Conditions:
Primary ciliary dyskinesia. Also called: Ciliary dyskinesia. Identifiers: Orphanet 244, MedGen C0008780, MONDO:0016575, HP:0012265.

Allele frequency attached by ClinVar (database versions not stated): gnomAD exomes 0.00001; TOPMed 0.00001; gnomAD 0.00003; ExAC 0.00005.
gnomAD v4.1: 27 of 1,551,562 alleles (0.0017%); highest among the groups gnomAD compares: Admixed American, 0.0059%; 1 homozygote.

Submissions (3):

Ambry Genetics
Classification: Uncertain significance for Primary ciliary dyskinesia. Last evaluated: 2025-11-24. Review status: criteria provided, single submitter. Criteria: Ambry Variant Classification Scheme 2023. Collection method: clinical testing. Allele origin: germline.

Blueprint Genetics
Classification: Uncertain significance. Last evaluated: 2024-10-23. Review status: criteria provided, single submitter. Criteria: ACMG Guidelines, 2015. Collection method: clinical testing. Allele origin: germline.

Labcorp Genetics (formerly Invitae), Labcorp
Classification: Uncertain significance for Primary ciliary dyskinesia. Last evaluated: 2019-11-11. Review status: criteria provided, single submitter. Criteria: Invitae Variant Classification Sherloc (09022015). Collection method: clinical testing. Allele origin: germline.
Comment: This sequence change replaces valine with isoleucine at codon 184 of the CCDC114 protein (p.Val184Ile). The valine residue is weakly conserved and there is a small physicochemical difference between valine and isoleucine. In summary, the available evidence is currently insufficient to determine the role of this variant in disease. Therefore, it has been classified as a Variant of Uncertain Significance. Algorithms developed to predict the effect of missense changes on protein structure and function output the following: SIFT: "Tolerated"; PolyPhen-2: "Benign"; Align-GVGD: "Class C0". The isoleucine amino acid residue is found in multiple mammalian species, suggesting that this missense change does not adversely affect protein function. These predictions have not been confirmed by published functional studies and their clinical significance is uncertain. This variant has not been reported in the literature in individuals with CCDC114-related conditions. This variant is present in population databases (rs769301117, ExAC 0.2%).